The following is an entry in ClinVar:

ClinVar aggregate classification (germline): Likely benign (1 of 4 stars; one submission).

Conditions:
Retinal cone dystrophy 4 (RCD4). Identifiers: Orphanet 1872, MedGen C1864849, MONDO:0012507, OMIM 610478.

Allele frequency attached by ClinVar (database versions not stated): 1000 Genomes Project 0.00060; 1000 Genomes Project 30x 0.00078; gnomAD 0.00099 and 0.00102; TOPMed 0.00102.

Submission:

Illumina Laboratory Services, Illumina
Classification: Likely benign for Retinal cone dystrophy 4. Last evaluated: 2018-01-13. Review status: criteria provided, single submitter. Criteria: ICSL Variant Classification Criteria 13 December 2019. Collection method: clinical testing. Allele origin: germline.
Comment: This variant was observed in the ICSL laboratory as part of a predisposition screen in an ostensibly healthy population. It had not been previously curated by ICSL or reported in the Human Gene Mutation Database (HGMD: prior to June 1st, 2018), and was therefore a candidate for classification through an automated scoring system. Utilizing variant allele frequency, disease prevalence and penetrance estimates, and inheritance mode, an automated score was calculated to assess if this variant is too frequent to cause the disease. Based on the score and internal cut-off values, a variant classified as likely benign is not then subjected to further curation. The score for this variant resulted in a classification of likely benign for this disease.

NM_172364.5(CACNA2D4):c.*1403C>G

Gene: CACNA2D4 (calcium voltage-gated channel auxiliary subunit alpha2delta 4; minus strand). Cytogenetic location: 12p13.33.
Variant type: single nucleotide variant.
Coding change: c.*1403C>G on transcript NM_172364.5 (MANE Select); 1403 bases downstream of the stop codon, C replaced by G.
Molecular consequence: 3 prime UTR variant.
Genome position (GRCh38, 1-based): chr12:1,792,252, G>C on the plus strand (C>G on the coding strand, the complement: CACNA2D4 is on the minus strand). VCF-style: chr12-1792252-G-C. GRCh37 (hg19) VCF-style: chr12-1901418-G-C.
Identifiers: ClinVar variation 307802 (VCV000307802.5), dbSNP rs148710446, ClinGen allele CA10636940.